The following is an entry in ClinVar:

ClinVar aggregate classification (germline): Pathogenic. Review status: criteria provided, multiple submitters, no conflicts (2 of 4 stars). 2 submissions from 2 submitters: Pathogenic (2). Last evaluated 2024-05-31.

Conditions:
STING-associated vasculopathy with onset in infancy. Also called: Sting-associated vasculopathy, infantile-onset. Identifiers: Orphanet 425120, MedGen C4014722, MONDO:0014405, OMIM 615934.

Submissions (2):

GeneDx
Classification: Pathogenic. Last evaluated: 2024-05-31. Review status: criteria provided, single submitter. Criteria: GeneDx Variant Classification Process June 2021. Collection method: clinical testing. Allele origin: germline. Affected: yes.
Comment: Not observed at significant frequency in large population cohorts (gnomAD); In silico analysis supports that this missense variant has a deleterious effect on protein structure/function; This variant is associated with the following publications: (PMID: 33230617, 30038614, 29694889)

Labcorp Genetics (formerly Invitae), Labcorp
Classification: Pathogenic for STING-associated vasculopathy with onset in infancy. Last evaluated: 2024-05-29. Review status: criteria provided, single submitter. Criteria: Invitae Variant Classification Sherloc (09022015). Collection method: clinical testing. Allele origin: germline.
Comment: This sequence change replaces arginine, which is basic and polar, with serine, which is neutral and polar, at codon 284 of the TMEM173 protein (p.Arg284Ser). This variant is not present in population databases (gnomAD no frequency). This missense change has been observed in individual(s) with STING-associated vasculopathy with onset in infancy (PMID: 33230617). In at least one individual the variant was observed to be de novo. Advanced modeling of protein sequence and biophysical properties (such as structural, functional, and spatial information, amino acid conservation, physicochemical variation, residue mobility, and thermodynamic stability) performed at Invitae indicates that this missense variant is expected to disrupt TMEM173 protein function with a positive predictive value of 80%. This variant disrupts the p.Arg284 amino acid residue in TMEM173. Other variant(s) that disrupt this residue have been determined to be pathogenic (PMID: 29694889, 30038614; Invitae). This suggests that this residue is clinically significant, and that variants that disrupt this residue are likely to be disease-causing. For these reasons, this variant has been classified as Pathogenic.

Literature cited by the submitters: PubMed 33230617 (cited by Labcorp Genetics (formerly Invitae), Labcorp); PubMed 29694889 (cited by Labcorp Genetics (formerly Invitae), Labcorp); PubMed 30038614 (cited by Labcorp Genetics (formerly Invitae), Labcorp).

NM_198282.4(STING1):c.852G>C (p.Arg284Ser)

Gene: STING1 (stimulator of interferon response cGAMP interactor 1; minus strand). Cytogenetic location: 5q31.2.
Variant type: single nucleotide variant.
Coding change: c.852G>C on transcript NM_198282.4 (MANE Select); coding-DNA position 852, G replaced by C.
Protein change: p.Arg284Ser; replaces arginine 284 with serine.
Molecular consequence: missense variant. On other transcripts: intron variant (1).
Genome position (GRCh38, 1-based): chr5:139,477,423, C>G on the plus strand (G>C on the coding strand, the complement: STING1 is on the minus strand). VCF-style: chr5-139477423-C-G. GRCh37 (hg19) VCF-style: chr5-138857008-C-G.
Other names: c.495G>C, p.Arg165Ser (NM_001367258.1); c.759+847G>C (NM_001301738.2); short protein forms R165S, R284S.
Identifiers: ClinVar variation 3383481 (VCV003383481.3).